The following is an entry in ClinVar:

ClinVar aggregate classification (germline): Uncertain significance (1 of 4 stars; one submission).

gnomAD v4.1: 2 of 1,614,046 alleles (0.00012%); highest among the groups gnomAD compares: Non-Finnish European, 0.00017%; no homozygotes.

Submission:

Labcorp Genetics (formerly Invitae), Labcorp
Classification: Uncertain significance. Last evaluated: 2025-04-06. Review status: criteria provided, single submitter. Criteria: Invitae Variant Classification Sherloc (09022015). Collection method: clinical testing. Allele origin: germline.
Comment: This sequence change replaces proline, which is neutral and non-polar, with serine, which is neutral and polar, at codon 842 of the RNF213 protein (p.Pro842Ser). This variant is present in population databases (rs138518812, gnomAD 0.002%). This variant has not been reported in the literature in individuals affected with RNF213-related conditions. Invitae Evidence Modeling of protein sequence and biophysical properties (such as structural, functional, and spatial information, amino acid conservation, physicochemical variation, residue mobility, and thermodynamic stability) indicates that this missense variant is not expected to disrupt RNF213 protein function with a negative predictive value of 95%. In summary, the available evidence is currently insufficient to determine the role of this variant in disease. Therefore, it has been classified as a Variant of Uncertain Significance.

NM_001256071.3(RNF213):c.2524C>T (p.Pro842Ser)

Gene: RNF213 (ring finger protein 213; plus strand). Cytogenetic location: 17q25.3.
Variant type: single nucleotide variant.
Coding change: c.2524C>T on transcript NM_001256071.3 (MANE Select); coding-DNA position 2524, C replaced by T.
Protein change: p.Pro842Ser; replaces proline 842 with serine.
Molecular consequence: missense variant.
Genome position (GRCh38, 1-based): chr17:80,309,040, C>T. VCF-style: chr17-80309040-C-T. GRCh37 (hg19) VCF-style: chr17-78282840-C-T.
Other names: c.2671C>T, p.Pro891Ser (NM_001410195.1, NM_020914.5); c.2524C>T, p.Pro842Ser (NM_020954.4); short protein forms P842S, P891S.
Identifiers: ClinVar variation 4698876 (VCV004698876.1).